The following is an entry in ClinVar:

ClinVar aggregate classification (germline): Uncertain significance. Review status: criteria provided, multiple submitters, no conflicts (2 of 4 stars). 3 submissions from 3 submitters: Uncertain significance (3). Last evaluated 2025-03-15.

Conditions:
Ataxia-telangiectasia syndrome (AT). Also called: LOUIS-BAR SYNDROME; Ataxia telangiectasia (A-T); Cerebello-oculocutaneous telangiectasia; Immunodeficiency with ataxia telangiectasia; ATAXIA-TELANGIECTASIA, COMPLEMENTATION GROUP A; ATAXIA-TELANGIECTASIA, FRESNO VARIANT. Identifiers: Orphanet 100, MedGen C0004135, MONDO:0008840, OMIM 208900.
Hereditary cancer-predisposing syndrome. Also called: Hereditary neoplastic syndrome; Tumor predisposition; Neoplastic Syndromes, Hereditary; Hereditary Cancer Syndrome. Identifiers: Orphanet 140162, MedGen C0027672, MeSH D009386, MONDO:0015356.

Submissions (3):

Quest Diagnostics Nichols Institute San Juan Capistrano
Classification: Uncertain significance. Last evaluated: 2025-03-15. Review status: criteria provided, single submitter. Criteria: Quest Diagnostics criteria. Collection method: clinical testing. Allele origin: unknown.

Labcorp Genetics (formerly Invitae), Labcorp
Classification: Uncertain significance for Ataxia-telangiectasia syndrome. Last evaluated: 2024-04-09. Review status: criteria provided, single submitter. Criteria: Invitae Variant Classification Sherloc (09022015). Collection method: clinical testing. Allele origin: germline.
Comment: This sequence change replaces serine, which is neutral and polar, with leucine, which is neutral and non-polar, at codon 719 of the ATM protein (p.Ser719Leu). This variant is not present in population databases (gnomAD no frequency). This variant has not been reported in the literature in individuals affected with ATM-related conditions. ClinVar contains an entry for this variant (Variation ID: 955189). An algorithm developed to predict the effect of missense changes on protein structure and function (PolyPhen-2) suggests that this variant is likely to be tolerated. In summary, the available evidence is currently insufficient to determine the role of this variant in disease. Therefore, it has been classified as a Variant of Uncertain Significance.

Ambry Genetics
Classification: Uncertain significance for Hereditary cancer-predisposing syndrome. Last evaluated: 2023-08-16. Review status: criteria provided, single submitter. Criteria: Ambry Variant Classification Scheme 2023. Collection method: clinical testing. Allele origin: germline.
Comment: The p.S719L variant (also known as c.2156C>T), located in coding exon 13 of the ATM gene, results from a C to T substitution at nucleotide position 2156. The serine at codon 719 is replaced by leucine, an amino acid with dissimilar properties. This amino acid position is well conserved in available vertebrate species. In addition, this alteration is predicted to be tolerated by in silico analysis. Since supporting evidence is limited at this time, the clinical significance of this alteration remains unclear.

NM_000051.4(ATM):c.2156C>T (p.Ser719Leu)

Gene: ATM (ATM serine/threonine kinase; plus strand). Cytogenetic location: 11q22.3.
Variant type: single nucleotide variant.
Coding change: c.2156C>T on transcript NM_000051.4 (MANE Select); coding-DNA position 2156, C replaced by T.
Protein change: p.Ser719Leu; replaces serine 719 with leucine.
Molecular consequence: missense variant.
Genome position (GRCh38, 1-based): chr11:108,256,246, C>T. VCF-style: chr11-108256246-C-T. GRCh37 (hg19) VCF-style: chr11-108126973-C-T.
Other names: c.2156C>T, p.Ser719Leu (NM_001351834.2); short protein forms S719L.
Identifiers: ClinVar variation 955189 (VCV000955189.9), dbSNP rs2080475075, ClinGen allele CA382538749.